The following is an entry in ClinVar:

NM_001384474.1(LOXHD1):c.1760G>A (p.Arg587Gln)

Gene: LOXHD1 (lipoxygenase homology PLAT domains 1; minus strand). Cytogenetic location: 18q21.1.
Variant type: single nucleotide variant.
Coding change: c.1760G>A on transcript NM_001384474.1 (MANE Select); coding-DNA position 1760, G replaced by A.
Protein change: p.Arg587Gln; replaces arginine 587 with glutamine.
Molecular consequence: missense variant.
Genome position (GRCh38, 1-based): chr18:46,579,679, C>T on the plus strand (G>A on the coding strand, the complement: LOXHD1 is on the minus strand). VCF-style: chr18-46579679-C-T. GRCh37 (hg19) VCF-style: chr18-44159642-C-T.
Other names: c.1760G>A, p.Arg587Gln (NM_144612.7); short protein forms R587Q.
Identifiers: ClinVar variation 2158224 (VCV002158224.1), dbSNP rs1162582151, ClinGen allele CA402378965.
Genomic context (GRCh38, chr18:46,579,679, plus strand): 5'-CTGTAACTTACATTGCCCTTTTCAAACAGGTCTGTGTTATTCCTGCAGTTGTAGAGCAGC[C>T]GTTCCCCCGTGTCCCCCACATCACCAAAAAGGCAGAGATAGACGTTGGCATCGGTCCCAG-3'
Protein context (NP_001371403.1, residues 577-597): LFGDVGDTGE[Arg587Gln]LLYNCRNNTD

ClinVar aggregate classification (germline): Uncertain significance (1 of 4 stars; one submission).

Allele frequency attached by ClinVar (database versions not stated): gnomAD exomes below 0.00001; gnomAD 0.00001; TOPMed 0.00002.
gnomAD v4.1: 5 of 1,551,638 alleles (0.00032%); highest among the groups gnomAD compares: East Asian, 0.0024%; no homozygotes.

Submission:

Labcorp Genetics (formerly Invitae), Labcorp
Classification: Uncertain significance. Last evaluated: 2021-12-02. Review status: criteria provided, single submitter. Criteria: Invitae Variant Classification Sherloc (09022015). Collection method: clinical testing. Allele origin: germline.
Comment: This sequence change replaces arginine, which is basic and polar, with glutamine, which is neutral and polar, at codon 587 of the LOXHD1 protein (p.Arg587Gln). This variant is not present in population databases (gnomAD no frequency). This variant has not been reported in the literature in individuals affected with LOXHD1-related conditions. Algorithms developed to predict the effect of missense changes on protein structure and function are either unavailable or do not agree on the potential impact of this missense change (SIFT: "Deleterious"; PolyPhen-2: "Benign"; Align-GVGD: "Class C0"). In summary, the available evidence is currently insufficient to determine the role of this variant in disease. Therefore, it has been classified as a Variant of Uncertain Significance.